The following is an entry in ClinVar:

NM_031407.7(HUWE1):c.5091A>G (p.Gly1697=)

Gene: HUWE1 (HECT, UBA and WWE domain containing E3 ubiquitin protein ligase 1; minus strand). Cytogenetic location: Xp11.22.
Variant type: single nucleotide variant.
Coding change: c.5091A>G on transcript NM_031407.7 (MANE Select); coding-DNA position 5091, A replaced by G.
Protein change: p.Gly1697=; no amino-acid change (glycine 1697 retained).
Molecular consequence: synonymous variant.
Genome position (GRCh38, 1-based): chrX:53,584,256, T>C on the plus strand (A>G on the coding strand, the complement: HUWE1 is on the minus strand). VCF-style: chrX-53584256-T-C. GRCh37 (hg19) VCF-style: chrX-53611216-T-C.
Identifiers: ClinVar variation 211166 (VCV000211166.26), dbSNP rs149893977, ClinGen allele CA205912.
Genomic context (GRCh38, chrX:53,584,256, plus strand): 5'-ATTTTCTTTACGTTTGATATCCATTTCTTTGCTTTCTTCCAGCGTCTTCTCTAGTTCCTG[T>C]CCATTGCTGTTTTTTGAATTTTTATTCAGCCGAGGTACCCTGAGGAGAGTCAGCATCACA-3'
Protein context (NP_113584.3, residues 1687-1707): RLNKNSKNSN[Gly1697=]QELEKTLEES

ClinVar aggregate classification (germline): Conflicting classifications of pathogenicity. Review status: criteria provided, conflicting classifications (1 of 4 stars). 8 submissions from 8 submitters: Uncertain significance (1); Benign (2); Likely benign (2). 3 of the submissions do not count toward it. Last evaluated 2026-01-04.

Conditions:
HUWE1-related disorder. Also called: HUWE1-related condition.
Inborn genetic diseases. Identifiers: MedGen C0950123, MeSH D030342.

Allele frequency attached by ClinVar (database versions not stated): 1000 Genomes Project 30x 0.00104; 1000 Genomes Project 0.00106; gnomAD 0.00142 and 0.00149; TOPMed 0.00153; gnomAD exomes 0.00225 and 0.00226; ESP Exome Variant Server 0.00227; ExAC 0.00236.
gnomAD v4.1: 2,660 of 1,203,279 alleles (0.22%); highest among the groups gnomAD compares: Middle Eastern, 1%; 6 homozygotes.

Submissions (8):

Labcorp Genetics (formerly Invitae), Labcorp
Classification: Benign. Last evaluated: 2026-01-04. Review status: criteria provided, single submitter. Criteria: Invitae Variant Classification Sherloc (09022015). Collection method: clinical testing. Allele origin: germline.

Blueprint Genetics
Classification: Likely benign. Last evaluated: 2024-11-27. Review status: criteria provided, single submitter. Criteria: ACMG Guidelines, 2015. Collection method: clinical testing. Allele origin: germline.

GeneDx
Classification: Benign. Last evaluated: 2018-12-31. Review status: criteria provided, single submitter. Criteria: GeneDx Variant Classification Process June 2021. Collection method: clinical testing. Allele origin: germline. Affected: yes.

Ambry Genetics
Classification: Likely benign for Inborn genetic diseases. Last evaluated: 2016-06-28. Review status: criteria provided, single submitter. Criteria: Ambry Variant Classification Scheme 2023. Collection method: clinical testing. Allele origin: germline.

Genetic Services Laboratory, University of Chicago
Classification: Uncertain significance. Last evaluated: 2014-12-16. Review status: criteria provided, single submitter. Criteria: ACMG Guidelines, 2015. Collection method: clinical testing. Allele origin: germline.

PreventionGenetics, part of Exact Sciences
Classification: Benign for HUWE1-related condition. Last evaluated: 2023-12-19. Review status: no assertion criteria provided. Collection method: clinical testing. Allele origin: germline. Not counted in ClinVar's aggregate classification.
Comment: This variant is classified as benign based on ACMG/AMP sequence variant interpretation guidelines (Richards et al. 2015 PMID: 25741868, with internal and published modifications).

Clinical Genetics DNA and cytogenetics Diagnostics Lab, Erasmus MC, Erasmus Medical Center
Classification: Likely benign. Review status: no assertion criteria provided. Collection method: clinical testing. Allele origin: germline. Affected: yes. Study: VKGL Data-share Consensus. Not counted in ClinVar's aggregate classification.

Genome Diagnostics Laboratory, University Medical Center Utrecht
Classification: Likely benign. Review status: no assertion criteria provided. Collection method: clinical testing. Allele origin: germline. Affected: yes. Study: VKGL Data-share Consensus. Not counted in ClinVar's aggregate classification.